The following is an entry in ClinVar:

ClinVar aggregate classification (germline): Likely pathogenic (1 of 4 stars; one submission).

Conditions:
Marfan syndrome (MFS). Also called: Marfan syndrome type 1; Marfan's syndrome; FBN1-Related Marfan Syndrome; MARFAN SYNDROME, TYPE I; Marfan syndrome, classic. Identifiers: Orphanet 284963, Orphanet 558, MedGen C0024796, MONDO:0007947, OMIM 154700.
Familial thoracic aortic aneurysm and aortic dissection (TAAD). Also called: Thoracic aortic aneurysms and dissections. Identifiers: Orphanet 91387, MedGen C4707243, MONDO:0019625.

Submission:

Labcorp Genetics (formerly Invitae), Labcorp
Classification: Likely pathogenic for Marfan syndrome; Familial thoracic aortic aneurysm and aortic dissection. Last evaluated: 2026-01-19. Review status: criteria provided, single submitter. Criteria: Invitae Variant Classification Sherloc (09022015). Collection method: clinical testing. Allele origin: germline.
Comment: This sequence change replaces arginine, which is basic and polar, with proline, which is neutral and non-polar, at codon 2220 of the FBN1 protein (p.Arg2220Pro). This variant is not present in population databases (gnomAD no frequency). This missense change has been observed in individuals with clinical features of Marfan syndrome (internal data). ClinVar contains an entry for this variant (Variation ID: 1349710). Invitae Evidence Modeling of protein sequence and biophysical properties (such as structural, functional, and spatial information, amino acid conservation, physicochemical variation, residue mobility, and thermodynamic stability) indicates that this missense variant is expected to disrupt FBN1 protein function with a positive predictive value of 95%. This variant disrupts the p.Arg2220 amino acid residue in FBN1. Other variant(s) that disrupt this residue have been observed in individuals with FBN1-related conditions (PMID: 30056620), which suggests that this may be a clinically significant amino acid residue. In summary, the currently available evidence indicates that the variant is pathogenic, but additional data are needed to prove that conclusively. Therefore, this variant has been classified as Likely Pathogenic.

Literature cited by the submitters: PubMed 30056620.

NM_000138.5(FBN1):c.6659G>C (p.Arg2220Pro)

Gene: FBN1 (fibrillin 1; minus strand). Cytogenetic location: 15q21.1.
Variant type: single nucleotide variant.
Coding change: c.6659G>C on transcript NM_000138.5 (MANE Select); coding-DNA position 6659, G replaced by C.
Protein change: p.Arg2220Pro; replaces arginine 2220 with proline.
Molecular consequence: missense variant.
Genome position (GRCh38, 1-based): chr15:48,432,946, C>G on the plus strand (G>C on the coding strand, the complement: FBN1 is on the minus strand). VCF-style: chr15-48432946-C-G. GRCh37 (hg19) VCF-style: chr15-48725143-C-G.
Other names: short protein forms R2220P.
Identifiers: ClinVar variation 1349710 (VCV001349710.8), dbSNP rs780651466, ClinGen allele CA392333565.